The following is an entry in ClinVar:

ClinVar aggregate classification (germline): Uncertain significance (1 of 4 stars; one submission).

Conditions:
COG1 congenital disorder of glycosylation (CDG2G). Also called: CONGENITAL DISORDER OF GLYCOSYLATION, TYPE IIg; CDG IIg; CDGII/COG1 CEREBROCOSTOMANDIBULAR-LIKE SYNDROME. Identifiers: Orphanet 263508, MedGen C2931011, MONDO:0012637, OMIM 611209.

gnomAD v4.1: 3 of 1,614,206 alleles (0.00019%); highest among the groups gnomAD compares: Non-Finnish European, 0.00025%; no homozygotes.

Submission:

Labcorp Genetics (formerly Invitae), Labcorp
Classification: Uncertain significance for COG1 congenital disorder of glycosylation. Last evaluated: 2021-11-22. Review status: criteria provided, single submitter. Criteria: Invitae Variant Classification Sherloc (09022015). Collection method: clinical testing. Allele origin: germline.
Comment: In summary, the available evidence is currently insufficient to determine the role of this variant in disease. Therefore, it has been classified as a Variant of Uncertain Significance. This variant has not been reported in the literature in individuals affected with COG1-related conditions. This variant is not present in population databases (gnomAD no frequency). This sequence change replaces cysteine, which is neutral and slightly polar, with tyrosine, which is neutral and polar, at codon 200 of the COG1 protein (p.Cys200Tyr). Algorithms developed to predict the effect of missense changes on protein structure and function are either unavailable or do not agree on the potential impact of this missense change (SIFT: "Tolerated"; PolyPhen-2: "Possibly Damaging"; Align-GVGD: "Class C0").

NM_018714.3(COG1):c.599G>A (p.Cys200Tyr)

Gene: COG1 (component of oligomeric golgi complex 1; plus strand). Cytogenetic location: 17q25.1.
Variant type: single nucleotide variant.
Coding change: c.599G>A on transcript NM_018714.3 (MANE Select); coding-DNA position 599, G replaced by A.
Protein change: p.Cys200Tyr; replaces cysteine 200 with tyrosine.
Molecular consequence: missense variant.
Genome position (GRCh38, 1-based): chr17:73,196,938, G>A. VCF-style: chr17-73196938-G-A. GRCh37 (hg19) VCF-style: chr17-71193077-G-A.
Other names: short protein forms C200Y.
Identifiers: ClinVar variation 1421187 (VCV001421187.6), dbSNP rs2145093008, ClinGen allele CA400884750.